The following is an entry in ClinVar:

ClinVar aggregate classification (germline): Uncertain significance. Review status: criteria provided, multiple submitters, no conflicts (2 of 4 stars). 2 submissions from 2 submitters: Uncertain significance (2). Last evaluated 2024-03-15.

Conditions:
SLC35A2-congenital disorder of glycosylation. Also called: EPILEPTIC ENCEPHALOPATHY, EARLY INFANTILE, 22; CONGENITAL DISORDER OF GLYCOSYLATION, TYPE IIm; CDG IIm; CONGENITAL DISORDER OF GLYCOSYLATION, TYPE IIm, SOMATIC MOSAIC; SLC35A2-CDG; DEVELOPMENTAL AND EPILEPTIC ENCEPHALOPATHY 22. Identifiers: Orphanet 356961, MedGen C3806688, MONDO:0010478, OMIM 300896.

Allele frequency attached by ClinVar (database versions not stated): gnomAD exomes below 0.00001 and 0.00001; ExAC 0.00001; TOPMed 0.00002; gnomAD 0.00004 and 0.00005; ESP Exome Variant Server 0.00009.
gnomAD v4.1: 6 of 1,209,065 alleles (0.0005%); highest among the groups gnomAD compares: African/African-American, 0.0087%; no homozygotes.

Submissions (2):

GeneDx
Classification: Uncertain significance. Last evaluated: 2024-03-15. Review status: criteria provided, single submitter. Criteria: GeneDx Variant Classification Process June 2021. Collection method: clinical testing. Allele origin: germline. Affected: yes.
Comment: In silico analysis supports that this missense variant has a deleterious effect on protein structure/function; Has not been previously published as pathogenic or benign to our knowledge

Labcorp Genetics (formerly Invitae), Labcorp
Classification: Uncertain significance for SLC35A2-congenital disorder of glycosylation. Last evaluated: 2022-07-26. Review status: criteria provided, single submitter. Criteria: Invitae Variant Classification Sherloc (09022015). Collection method: clinical testing. Allele origin: germline.
Comment: In summary, the available evidence is currently insufficient to determine the role of this variant in disease. Therefore, it has been classified as a Variant of Uncertain Significance. Algorithms developed to predict the effect of missense changes on protein structure and function are either unavailable or do not agree on the potential impact of this missense change (SIFT: "Deleterious"; PolyPhen-2: "Possibly Damaging"; Align-GVGD: "Class C0"). ClinVar contains an entry for this variant (Variation ID: 1471191). This variant has not been reported in the literature in individuals affected with SLC35A2-related conditions. This variant is present in population databases (rs142990922, gnomAD 0.02%). This sequence change replaces phenylalanine, which is neutral and non-polar, with serine, which is neutral and polar, at codon 66 of the SLC35A2 protein (p.Phe66Ser).

NM_005660.3(SLC35A2):c.197T>C (p.Phe66Ser)

Gene: SLC35A2 (solute carrier family 35 member A2; minus strand). Cytogenetic location: Xp11.23.
Variant type: single nucleotide variant.
Coding change: c.197T>C on transcript NM_005660.3 (MANE Select); coding-DNA position 197, T replaced by C.
Protein change: p.Phe66Ser; replaces phenylalanine 66 with serine.
Molecular consequence: missense variant. On other transcripts: intron variant (1).
Genome position (GRCh38, 1-based): chrX:48,909,891, A>G on the plus strand (T>C on the coding strand, the complement: SLC35A2 is on the minus strand). VCF-style: chrX-48909891-A-G. GRCh37 (hg19) VCF-style: chrX-48767168-A-G.
Other names: c.197T>C, p.Phe66Ser (NM_001032289.3, NM_001042498.3, NM_001282647.2); c.125T>C, p.Phe42Ser (NM_001282648.2); c.236T>C, p.Phe79Ser (NM_001282650.2); c.281T>C, p.Phe94Ser (NM_001282651.2); c.91+1655T>C (NM_001282649.2); c.197T>C (NM_001042498.2); short protein forms F66S, F94S, F42S, F79S.
Identifiers: ClinVar variation 1471191 (VCV001471191.9), dbSNP rs142990922, ClinGen allele CA10406181.